The following is an entry in ClinVar:

ClinVar aggregate classification (germline): Uncertain significance (1 of 4 stars; one submission).

Submission:

Ambry Genetics
Classification: Uncertain significance. Last evaluated: 2024-06-30. Review status: criteria provided, single submitter. Criteria: Ambry Variant Classification Scheme 2023. Collection method: clinical testing. Allele origin: germline.
Comment: The p.P417T variant (also known as c.1249C>A), located in coding exon 5 of the EGLN1 gene, results from a C to A substitution at nucleotide position 1249. The proline at codon 417 is replaced by threonine, an amino acid with highly similar properties. This amino acid position is conserved. In addition, the in silico prediction for this alteration is inconclusive. Based on the available evidence, the clinical significance of this variant remains unclear.

NM_022051.3(EGLN1):c.1249C>A (p.Pro417Thr)

Gene: EGLN1 (egl-9 family hypoxia inducible factor 1; minus strand). Cytogenetic location: 1q42.2.
Variant type: single nucleotide variant.
Coding change: c.1249C>A on transcript NM_022051.3 (MANE Select); coding-DNA position 1249, C replaced by A.
Protein change: p.Pro417Thr; replaces proline 417 with threonine.
Molecular consequence: missense variant. On other transcripts: 3 prime UTR variant (2).
Genome position (GRCh38, 1-based): chr1:231,366,443, G>T on the plus strand (C>A on the coding strand, the complement: EGLN1 is on the minus strand). VCF-style: chr1-231366443-G-T. GRCh37 (hg19) VCF-style: chr1-231502189-G-T.
Other names: c.*29C>A (NM_001377260.1); c.*74C>A (NM_001377261.1); short protein forms P417T.
Identifiers: ClinVar variation 3507206 (VCV003507206.1).